The following is an entry in ClinVar:

ClinVar aggregate classification (germline): Uncertain significance (1 of 4 stars; one submission).

Allele frequency attached by ClinVar (database versions not stated): gnomAD exomes below 0.00001.
gnomAD v4.1: 3 of 1,514,478 alleles (0.0002%); highest among the groups gnomAD compares: Admixed American, 0.0021%; no homozygotes.

Submission:

Labcorp Genetics (formerly Invitae), Labcorp
Classification: Uncertain significance. Last evaluated: 2022-07-19. Review status: criteria provided, single submitter. Criteria: Invitae Variant Classification Sherloc (09022015). Collection method: clinical testing. Allele origin: germline.
Comment: The frequency data for this variant in the population databases is considered unreliable, as metrics indicate poor data quality at this position in the gnomAD database. This sequence change replaces glycine, which is neutral and non-polar, with serine, which is neutral and polar, at codon 963 of the ARHGEF18 protein (p.Gly963Ser). This variant has not been reported in the literature in individuals affected with ARHGEF18-related conditions. ClinVar contains an entry for this variant (Variation ID: 1415662). Algorithms developed to predict the effect of missense changes on protein structure and function are either unavailable or do not agree on the potential impact of this missense change (SIFT: "Deleterious"; PolyPhen-2: "Benign"; Align-GVGD: "Class C55"). In summary, the available evidence is currently insufficient to determine the role of this variant in disease. Therefore, it has been classified as a Variant of Uncertain Significance.

NM_001367823.1(ARHGEF18):c.3451G>A (p.Gly1151Ser)

Gene: ARHGEF18 (Rho/Rac guanine nucleotide exchange factor 18; plus strand). Cytogenetic location: 19p13.2.
Variant type: single nucleotide variant.
Coding change: c.3451G>A on transcript NM_001367823.1 (MANE Select); coding-DNA position 3451, G replaced by A.
Protein change: p.Gly1151Ser; replaces glycine 1151 with serine.
Molecular consequence: missense variant.
Genome position (GRCh38, 1-based): chr19:7,467,655, G>A. VCF-style: chr19-7467655-G-A. GRCh37 (hg19) VCF-style: chr19-7532541-G-A.
Other names: c.2725G>A, p.Gly909Ser (NM_001130955.2); c.2413G>A, p.Gly805Ser (NM_001367824.1, NM_015318.4); short protein forms G1151S, G909S, G805S.
Identifiers: ClinVar variation 1415662 (VCV001415662.8), dbSNP rs1322894713, ClinGen allele CA403090052.
Genomic context (GRCh38, chr19:7,467,655, plus strand): 5'-GAGCGCGAGCGGGAGCGCCTGGAGCTGCTGCGCCGCCTCAAGAAGCAGAACACCGCGCCA[G>A]GCGCGCTGCCGCCCGACACACTGGCCGAGGTGAGCGCGCAGCAGCCAGTGTGCGCAGGTT-3'
Protein context (NP_001354752.1, residues 1141-1161): RRLKKQNTAP[Gly1151Ser]ALPPDTLAEA